The following is an entry in ClinVar:

NC_000016.9:g.(?_66562877)_(66565392_?)del

Gene: TK2 (thymidine kinase 2; minus strand). Cytogenetic location: 16q21.
Variant type: Deletion.
Identifiers: ClinVar variation 3243641 (VCV003243641.1).

ClinVar aggregate classification (germline): Pathogenic (1 of 4 stars; one submission).

Submission:

Labcorp Genetics (formerly Invitae), Labcorp
Classification: Pathogenic. Last evaluated: 2022-10-28. Review status: criteria provided, single submitter. Criteria: Invitae Variant Classification Sherloc (09022015). Collection method: clinical testing. Allele origin: unknown.
Comment: For these reasons, this variant has been classified as Pathogenic. This variant has not been reported in the literature in individuals affected with TK2-related conditions. This variant is a gross deletion of the genomic region encompassing exon(s) 5-6 of the TK2 gene. This deletion is out-of-frame, and is expected to create a premature termination codon and result in an absent or disrupted protein product. Loss-of-function variants in TK2 are known to be pathogenic (PMID: 20421844).

Literature cited by the submitters: PubMed 20421844.